The following is an entry in ClinVar:

NM_025099.6(CTC1):c.1850A>T (p.His617Leu)

Gene: CTC1 (CST telomere replication complex component 1; minus strand). Cytogenetic location: 17p13.1.
Variant type: single nucleotide variant.
Coding change: c.1850A>T on transcript NM_025099.6 (MANE Select); coding-DNA position 1850, A replaced by T.
Protein change: p.His617Leu; replaces histidine 617 with leucine.
Molecular consequence: missense variant. On other transcripts: non-coding transcript variant (1).
Genome position (GRCh38, 1-based): chr17:8,233,001, T>A on the plus strand (A>T on the coding strand, the complement: CTC1 is on the minus strand). VCF-style: chr17-8233001-T-A. GRCh37 (hg19) VCF-style: chr17-8136319-T-A.
Other names: c.1850A>T, p.His617Leu (NM_001411067.1); short protein forms H617L.
Identifiers: ClinVar variation 2001126 (VCV002001126.4), dbSNP rs2507908051, ClinGen allele CA397980956.

ClinVar aggregate classification (germline): Uncertain significance (1 of 4 stars; one submission).

Conditions:
Dyskeratosis congenita. Identifiers: Orphanet 1775, MedGen C0265965, MONDO:0015780.

Submission:

Labcorp Genetics (formerly Invitae), Labcorp
Classification: Uncertain significance for Dyskeratosis congenita. Last evaluated: 2022-05-30. Review status: criteria provided, single submitter. Criteria: Invitae Variant Classification Sherloc (09022015). Collection method: clinical testing. Allele origin: germline.
Comment: This sequence change replaces histidine, which is basic and polar, with leucine, which is neutral and non-polar, at codon 617 of the CTC1 protein (p.His617Leu). This variant is not present in population databases (gnomAD no frequency). This variant has not been reported in the literature in individuals affected with CTC1-related conditions. Algorithms developed to predict the effect of missense changes on protein structure and function are either unavailable or do not agree on the potential impact of this missense change (SIFT: "Deleterious"; PolyPhen-2: "Benign"; Align-GVGD: "Class C0"). In summary, the available evidence is currently insufficient to determine the role of this variant in disease. Therefore, it has been classified as a Variant of Uncertain Significance.